The following is an entry in ClinVar:

NM_000321.3(RB1):c.1030C>A (p.Gln344Lys)

Gene: RB1 (RB transcriptional corepressor 1; plus strand). Cytogenetic location: 13q14.2.
Variant type: single nucleotide variant.
Coding change: c.1030C>A on transcript NM_000321.3 (MANE Select); coding-DNA position 1030, C replaced by A.
Protein change: p.Gln344Lys; replaces glutamine 344 with lysine.
Molecular consequence: missense variant.
Genome position (GRCh38, 1-based): chr13:48,367,584, C>A. VCF-style: chr13-48367584-C-A. GRCh37 (hg19) VCF-style: chr13-48941720-C-A.
Other names: c.1030C>A, p.Gln344Lys (NM_001407165.1, NM_001407166.1); short protein forms Q344K.
Identifiers: ClinVar variation 1770995 (VCV001770995.2), dbSNP rs2138121441, ClinGen allele CA388160885.

ClinVar aggregate classification (germline): Uncertain significance (1 of 4 stars; one submission).

Conditions:
Hereditary cancer-predisposing syndrome. Also called: Hereditary Cancer Syndrome; Hereditary neoplastic syndrome; Neoplastic Syndromes, Hereditary; Tumor predisposition. Identifiers: Orphanet 140162, MedGen C0027672, MeSH D009386, MONDO:0015356.

Submission:

Ambry Genetics
Classification: Uncertain significance for Hereditary cancer-predisposing syndrome. Last evaluated: 2022-05-01. Review status: criteria provided, single submitter. Criteria: Ambry Variant Classification Scheme 2023. Collection method: clinical testing. Allele origin: germline.
Comment: The p.Q344K variant (also known as c.1030C>A), located in coding exon 10 of the RB1 gene, results from a C to A substitution at nucleotide position 1030. The glutamine at codon 344 is replaced by lysine, an amino acid with similar properties. This amino acid position is conserved. In addition, this alteration is predicted to be tolerated by in silico analysis. Since supporting evidence is limited at this time, the clinical significance of this alteration remains unclear.